The following is an entry in ClinVar:

ClinVar aggregate classification (germline): Likely pathogenic. Review status: criteria provided, multiple submitters, no conflicts (2 of 4 stars). 2 submissions from 2 submitters: Likely pathogenic (2). Last evaluated 2024-06-28.

Conditions:
Pontocerebellar hypoplasia type 6 (PCH6). Identifiers: Orphanet 166073, MedGen C1969084, MONDO:0012683, OMIM 611523.

Allele frequency attached by ClinVar (database versions not stated): gnomAD exomes below 0.00001; gnomAD 0.00001; 1000 Genomes Project 30x 0.00016; 1000 Genomes Project 0.00020.
gnomAD v4.1: 5 of 1,614,240 alleles (0.00031%); highest among the groups gnomAD compares: Non-Finnish European, 0.00042%; no homozygotes.

Submissions (2):

Natera, Inc.
Classification: Likely pathogenic for Pontocerebellar hypoplasia, type 6. Last evaluated: 2024-06-28. Review status: criteria provided, single submitter. Criteria: Natera Variant Classification Schema (03/2026). Collection method: clinical testing. Allele origin: germline.
Comment: The c.36+1G>A variant in RARS2 is a canonical splice donor site variant predicted to affect pre-mRNA splicing, which may result in an abnormal transcript and altered protein product. This variant is expected to result in nonsense mediated decay, truncation, or a dysfunctional protein product. This variant is rare in the general population with a frequency below the threshold expected for the associated phenotype(s). Given the available evidence, this variant is classified as Likely Pathogenic.

Labcorp Genetics (formerly Invitae), Labcorp
Classification: Likely pathogenic. Last evaluated: 2022-06-25. Review status: criteria provided, single submitter. Criteria: Invitae Variant Classification Sherloc (09022015). Collection method: clinical testing. Allele origin: germline.
Comment: In summary, the currently available evidence indicates that the variant is pathogenic, but additional data are needed to prove that conclusively. Therefore, this variant has been classified as Likely Pathogenic. Algorithms developed to predict the effect of sequence changes on RNA splicing suggest that this variant may disrupt the consensus splice site. ClinVar contains an entry for this variant (Variation ID: 965415). This variant has not been reported in the literature in individuals affected with RARS2-related conditions. This variant is not present in population databases (gnomAD no frequency). This sequence change affects a donor splice site in intron 1 of the RARS2 gene. It is expected to disrupt RNA splicing. Variants that disrupt the donor or acceptor splice site typically lead to a loss of protein function (PMID: 16199547), and loss-of-function variants in RARS2 are known to be pathogenic (PMID: 17847012, 22569581, 26083569).

Literature cited by the submitters: PubMed 16199547 (cited by Labcorp Genetics (formerly Invitae), Labcorp); PubMed 17847012 (cited by Labcorp Genetics (formerly Invitae), Labcorp); PubMed 22569581 (cited by Labcorp Genetics (formerly Invitae), Labcorp); PubMed 26083569 (cited by Labcorp Genetics (formerly Invitae), Labcorp).

NM_020320.5(RARS2):c.36+1G>A

Gene: RARS2 (arginyl-tRNA synthetase 2, mitochondrial; minus strand). Cytogenetic location: 6q15.
Variant type: single nucleotide variant.
Coding change: c.36+1G>A on transcript NM_020320.5 (MANE Select); the canonical splice donor site of the intron after coding-DNA position 36, G replaced by A.
Molecular consequence: splice donor variant. On other transcripts: 5 prime UTR variant (7), non-coding transcript variant (20).
Genome position (GRCh38, 1-based): chr6:87,589,921, C>T on the plus strand (G>A on the coding strand, the complement: RARS2 is on the minus strand). VCF-style: chr6-87589921-C-T. GRCh37 (hg19) VCF-style: chr6-88299639-C-T.
Other names: c.-654G>A (NM_001318785.2); c.-710G>A (NM_001350506.2, NM_001350510.2); c.-833G>A (NM_001350507.2); c.-872G>A (NM_001350508.2); c.-580G>A (NM_001350509.2); c.-829G>A (NM_001350511.2); c.36+1G>A (NM_001350505.2, NM_020320.4).
Identifiers: ClinVar variation 965415 (VCV000965415.9), dbSNP rs201200968, ClinGen allele CA142841664.
Genomic context (GRCh38, chr6:87,589,921, plus strand): 5'-TGAAAGGCCTTTGGGGTCCCTAGCTCCTCAGGGACTCCTCTGCGCGCTCCGGGATCCATA[C>T]CTGGCAAGCAATAGCGCGGCGAAAGCCGCACGCCATGTCCACCTCTACGGAAGTGCGCCG-3'